The following is an entry in ClinVar:

NM_004333.6(BRAF):c.1979A>G (p.Asn660Ser)

Gene: BRAF (B-Raf proto-oncogene, serine/threonine kinase; minus strand). Cytogenetic location: 7q34.
Variant type: single nucleotide variant.
Coding change: c.1979A>G on transcript NM_004333.6 (MANE Select); coding-DNA position 1979, A replaced by G.
Protein change: p.Asn660Ser; replaces asparagine 660 with serine.
Molecular consequence: missense variant.
Genome position (GRCh38, 1-based): chr7:140,749,300, T>C on the plus strand (A>G on the coding strand, the complement: BRAF is on the minus strand). VCF-style: chr7-140749300-T-C. GRCh37 (hg19) VCF-style: chr7-140449100-T-C.
Other names: c.1979A>G, p.Asn660Ser (NM_001354609.2, NM_001378468.1, NM_001378474.1); c.2099A>G, p.Asn700Ser (NM_001374244.1, NM_001374258.1); c.1988A>G, p.Asn663Ser (NM_001378467.1); c.1913A>G, p.Asn638Ser (NM_001378469.1); c.1877A>G, p.Asn626Ser (NM_001378470.1); c.1868A>G, p.Asn623Ser (NM_001378471.1); c.1823A>G, p.Asn608Ser (NM_001378472.1, NM_001378473.1); c.1715A>G, p.Asn572Ser (NM_001378475.1); short protein forms N700S, N626S, N660S, N572S, N638S, N608S, N623S, N663S.
Identifiers: ClinVar variation 1427035 (VCV001427035.6), dbSNP rs2128994317, ClinGen allele CA369540450.

ClinVar aggregate classification (germline): Uncertain significance (1 of 4 stars; one submission).

Conditions:
RASopathy. Also called: Noonan spectrum disorder; rasopathies. Identifiers: Orphanet 536391, MedGen C5555857, MONDO:0021060.

Submission:

Labcorp Genetics (formerly Invitae), Labcorp
Classification: Uncertain significance for RASopathy. Last evaluated: 2021-09-15. Review status: criteria provided, single submitter. Criteria: Invitae Variant Classification Sherloc (09022015). Collection method: clinical testing. Allele origin: germline.
Comment: Algorithms developed to predict the effect of missense changes on protein structure and function are either unavailable or do not agree on the potential impact of this missense change (SIFT: "Tolerated"; PolyPhen-2: "Possibly Damaging"; Align-GVGD: "Class C0"). This sequence change replaces asparagine with serine at codon 660 of the BRAF protein (p.Asn660Ser). The asparagine residue is highly conserved and there is a small physicochemical difference between asparagine and serine. This variant is not present in population databases (ExAC no frequency). This variant has not been reported in the literature in individuals affected with BRAF-related conditions. Algorithms developed to predict the effect of sequence changes on RNA splicing suggest that this variant may create or strengthen a splice site. In summary, the available evidence is currently insufficient to determine the role of this variant in disease. Therefore, it has been classified as a Variant of Uncertain Significance.